The following is an entry in ClinVar:

ClinVar aggregate classification (germline): Likely benign. Review status: criteria provided, multiple submitters, no conflicts (2 of 4 stars). 3 submissions from 3 submitters: Likely benign (2). 1 of the submissions does not count toward it. Last evaluated 2024-07-16.

Conditions:
LYRM4-related disorder. Also called: LYRM4-related condition.

Allele frequency attached by ClinVar (database versions not stated): gnomAD 0.00001; ExAC below 0.00001; TOPMed 0.00004.
gnomAD v4.1: 22 of 1,553,908 alleles (0.0014%); highest among the groups gnomAD compares: Admixed American, 0.042%; no homozygotes.

Submissions (3):

Labcorp Genetics (formerly Invitae), Labcorp
Classification: Likely benign. Last evaluated: 2024-07-16. Review status: criteria provided, single submitter. Criteria: Invitae Variant Classification Sherloc (09022015). Collection method: clinical testing. Allele origin: germline.

GeneDx
Classification: Likely benign. Last evaluated: 2017-11-22. Review status: criteria provided, single submitter. Criteria: GeneDx Variant Classification (06012015). Collection method: clinical testing. Allele origin: germline. Affected: yes.
Comment: This variant is considered likely benign or benign based on one or more of the following criteria: it is a conservative change, it occurs at a poorly conserved position in the protein, it is predicted to be benign by multiple in silico algorithms, and/or has population frequency not consistent with disease.

PreventionGenetics, part of Exact Sciences
Classification: Likely benign for LYRM4-related condition. Last evaluated: 2019-11-27. Review status: no assertion criteria provided. Collection method: clinical testing. Allele origin: germline. Not counted in ClinVar's aggregate classification.
Comment: This variant is classified as likely benign based on ACMG/AMP sequence variant interpretation guidelines (Richards et al. 2015 PMID: 25741868, with internal and published modifications).

NM_020408.6(LYRM4):c.33T>G (p.Ser11=)

Genes: LYRM4 (LYR motif containing 4; minus strand), FARS2 (phenylalanyl-tRNA synthetase 2, mitochondrial; plus strand), LOC129995672 (ATAC-STARR-seq lymphoblastoid silent region 16873; plus strand). Cytogenetic location: 6p25.1.
Variant type: single nucleotide variant.
Coding change: c.33T>G on transcript NM_020408.6 (MANE Select); coding-DNA position 33, T replaced by G.
Protein change: p.Ser11=; no amino-acid change (serine 11 retained).
Molecular consequence: synonymous variant. On other transcripts: non-coding transcript variant (3).
Genome position (GRCh38, 1-based): chr6:5,260,701, A>C on the plus strand (T>G on the coding strand, the complement: LYRM4 is on the minus strand). VCF-style: chr6-5260701-A-C. GRCh37 (hg19) VCF-style: chr6-5260934-A-C.
Other names: c.33T>G, p.Ser11= (NM_001164840.3, NM_001164841.3, NM_001318782.1 and 1 more transcripts).
Identifiers: ClinVar variation 513283 (VCV000513283.11), dbSNP rs774797057, ClinGen allele CA3623551.